The following is an entry in ClinVar:

ClinVar aggregate classification (germline): Uncertain significance. Review status: criteria provided, multiple submitters, no conflicts (2 of 4 stars). 3 submissions from 3 submitters: Uncertain significance (3). Last evaluated 2023-06-26.

Conditions:
Cone-rod dystrophy 15 (CORD15). Identifiers: MedGen C3150912, MONDO:0013348, OMIM 613660.

Allele frequency attached by ClinVar (database versions not stated): gnomAD 0.00001 and 0.00002; gnomAD exomes 0.00001 and 0.00003; TOPMed 0.00001; ExAC 0.00003; 1000 Genomes Project 0.00020; 1000 Genomes Project 30x 0.00047.
gnomAD v4.1: 14 of 1,610,572 alleles (0.00087%); highest among the groups gnomAD compares: East Asian, 0.031%; no homozygotes.

Submissions (3):

Blueprint Genetics
Classification: Uncertain significance. Last evaluated: 2023-06-26. Review status: criteria provided, single submitter. Criteria: ACMG Guidelines, 2015. Collection method: clinical testing. Allele origin: germline.

Labcorp Genetics (formerly Invitae), Labcorp
Classification: Uncertain significance. Last evaluated: 2022-02-11. Review status: criteria provided, single submitter. Criteria: Invitae Variant Classification Sherloc (09022015). Collection method: clinical testing. Allele origin: germline.
Comment: This sequence change replaces phenylalanine, which is neutral and non-polar, with serine, which is neutral and polar, at codon 181 of the CDHR1 protein (p.Phe181Ser). This variant is present in population databases (rs184241207, gnomAD 0.04%). This variant has not been reported in the literature in individuals affected with CDHR1-related conditions. ClinVar contains an entry for this variant (Variation ID: 301218). Advanced modeling of protein sequence and biophysical properties (such as structural, functional, and spatial information, amino acid conservation, physicochemical variation, residue mobility, and thermodynamic stability) performed at Invitae indicates that this missense variant is expected to disrupt CDHR1 protein function. In summary, the available evidence is currently insufficient to determine the role of this variant in disease. Therefore, it has been classified as a Variant of Uncertain Significance.

Illumina Laboratory Services, Illumina
Classification: Uncertain significance for Cone-rod dystrophy 15. Last evaluated: 2018-01-13. Review status: criteria provided, single submitter. Criteria: ICSL Variant Classification Criteria 13 December 2019. Collection method: clinical testing. Allele origin: germline.

NM_033100.4(CDHR1):c.542T>C (p.Phe181Ser)

Gene: CDHR1 (cadherin related family member 1; plus strand). Cytogenetic location: 10q23.1.
Variant type: single nucleotide variant.
Coding change: c.542T>C on transcript NM_033100.4 (MANE Select); coding-DNA position 542, T replaced by C.
Protein change: p.Phe181Ser; replaces phenylalanine 181 with serine.
Molecular consequence: missense variant.
Genome position (GRCh38, 1-based): chr10:84,201,823, T>C. VCF-style: chr10-84201823-T-C. GRCh37 (hg19) VCF-style: chr10-85961579-T-C.
Other names: c.542T>C, p.Phe181Ser (NM_001171971.3); short protein forms F181S.
Identifiers: ClinVar variation 301218 (VCV000301218.12), dbSNP rs184241207, ClinGen allele CA5579582.
Genomic context (GRCh38, chr10:84,201,823, plus strand): 5'-GCCTGCATTCTTGCTGAGGTCCAGCTGCCCCCTAATTCTTATAGAACCTGCACTCCCCAT[T>C]TGCCGTGGACCGCCACAGCGGTGTGCTGCGCCTCCAGGCTGGGGCCACTCTGGACTACGA-3'
Protein context (NP_149091.1, residues 171-191): TYFLQNLHSP[Phe181Ser]AVDRHSGVLR